The following is an entry in ClinVar:

ClinVar aggregate classification (germline): Likely pathogenic (1 of 4 stars; one submission).

Conditions:
Anemia, nonspherocytic hemolytic, due to G6PD deficiency (CNSHA1). Also called: Hemolytic anemia due to G6PD deficiency; Class I glucose-6-phosphate dehydrogenase deficiency; Favism, susceptibility to; ANEMIA, CONGENITAL, NONSPHEROCYTIC HEMOLYTIC, 1. Identifiers: Orphanet 466026, MedGen C2720289, MONDO:0010480, OMIM 300908.

Submission:

Dunham Lab, University of Washington
Classification: Likely pathogenic for Anemia, nonspherocytic hemolytic, due to G6PD deficiency. Last evaluated: 2022-08-12. Review status: criteria provided, single submitter. Criteria: Bayesian ACMG Guidelines, 2018. Collection method: curation. Allele origin: unknown. Affected: yes.
Comment: Variant found in hemizygotes with G6PD deficiency (PP4). Decreased activity in red blood cells of hemizygotes (24-43%) (PS3). Not observed in gnomAD (PM2). NNpredict and structural considerations predict decreased function due to abnormal helical formation and changes in polarity (PP3). Post_P 0.975 (odds of pathogenicity 350.3, Prior_P 0.1).

Literature cited by the submitters: PubMed 3198117; PubMed 16607506.

NM_001360016.2(G6PD):c.274C>T (p.Pro92Ser)

Gene: G6PD (glucose-6-phosphate dehydrogenase; minus strand). Cytogenetic location: Xq28.
Variant type: single nucleotide variant.
Coding change: c.274C>T on transcript NM_001360016.2 (MANE Select); coding-DNA position 274, C replaced by T.
Protein change: p.Pro92Ser; replaces proline 92 with serine.
Molecular consequence: missense variant.
Genome position (GRCh38, 1-based): chrX:154,535,379, G>A on the plus strand (C>T on the coding strand, the complement: G6PD is on the minus strand). VCF-style: chrX-154535379-G-A. GRCh37 (hg19) VCF-style: chrX-153763594-G-A.
Other names: G6PD Guangzhou; c.364C>T, p.Pro122Ser (NM_000402.4); c.274C>T, p.Pro92Ser (NM_001042351.3); short protein forms P122S, P92S.
Identifiers: ClinVar variation 1722716 (VCV001722716.2), dbSNP rs2523271431, ClinGen allele CA415239390.